The following is an entry in ClinVar:

ClinVar aggregate classification (germline): Pathogenic (1 of 4 stars; one submission).

Conditions:
Short-rib thoracic dysplasia 14 with polydactyly (SRTD14). Identifiers: Orphanet 397715, MedGen C4225286, MONDO:0014688, OMIM 616546.
Joubert syndrome 23 (JBTS23). Identifiers: Orphanet 475, MedGen C4084822, MONDO:0014664, OMIM 616490.

Submission:

Labcorp Genetics (formerly Invitae), Labcorp
Classification: Pathogenic for Joubert syndrome 23; Short-rib thoracic dysplasia 14 with polydactyly. Last evaluated: 2025-03-07. Review status: criteria provided, single submitter. Criteria: Invitae Variant Classification Sherloc (09022015). Collection method: clinical testing. Allele origin: germline.
Comment: This sequence change creates a premature translational stop signal (p.Glu35*) in the KIAA0586 gene. It is expected to result in an absent or disrupted protein product. Loss-of-function variants in KIAA0586 are known to be pathogenic (PMID: 26096313, 26166481, 26386044). This variant is not present in population databases (gnomAD no frequency). This variant has not been reported in the literature in individuals affected with KIAA0586-related conditions. Algorithms developed to predict the effect of sequence changes on RNA splicing suggest that this variant may disrupt the consensus splice site. For these reasons, this variant has been classified as Pathogenic.

Literature cited by the submitters: PubMed 26096313; PubMed 26166481; PubMed 26386044.

NM_001329943.3(KIAA0586):c.67G>T (p.Glu23Ter)

Gene: KIAA0586 (KIAA0586; plus strand). Cytogenetic location: 14q23.1.
Variant type: single nucleotide variant.
Coding change: c.67G>T on transcript NM_001329943.3 (MANE Select); coding-DNA position 67, G replaced by T.
Protein change: p.Glu23Ter; replaces glutamic acid 23 with a stop codon.
Molecular consequence: nonsense. On other transcripts: intron variant (5).
Genome position (GRCh38, 1-based): chr14:58,428,331, G>T. VCF-style: chr14-58428331-G-T. GRCh37 (hg19) VCF-style: chr14-58895049-G-T.
Other names: c.103G>T, p.Glu35Ter (NM_001244189.2); c.22G>T, p.Glu8Ter (NM_001244190.2); c.67G>T, p.Glu23Ter (NM_001329944.2, NM_001329946.2, NM_001329947.2 and 1 more transcripts); c.-57+694G>T (NM_001244192.2, NM_001244191.2); c.-57+518G>T (NM_001364701.2, NM_001329945.2, NM_001364700.1); short protein forms E23*, E35*, E8*.
Identifiers: ClinVar variation 3760371 (VCV003760371.2).